The following is an entry in ClinVar:

ClinVar aggregate classification (germline): Likely benign. Review status: criteria provided, multiple submitters, no conflicts (2 of 4 stars). 2 submissions from 2 submitters: Likely benign (2). Last evaluated 2026-07-01.

Conditions:
Bethlem myopathy 1A. Also called: Bethlem Muscular Dystrophy; Bethlem myopathy 1; MYOPATHY, BENIGN CONGENITAL, WITH CONTRACTURES. Identifiers: Orphanet 610, MedGen CN029274, MONDO:0024530, OMIM 158810.

Allele frequency attached by ClinVar (database versions not stated): ExAC 0.00003; gnomAD 0.00004; gnomAD exomes 0.00004; TOPMed 0.00004; ESP Exome Variant Server 0.00008.
gnomAD v4.1: 73 of 1,606,726 alleles (0.0045%); highest among the groups gnomAD compares: Middle Eastern, 0.016%; no homozygotes.

Submissions (2):

CeGaT Center for Human Genetics Tuebingen
Classification: Likely benign. Last evaluated: 2026-07-01. Review status: criteria provided, single submitter. Criteria: CeGaT Center For Human Genetics Tuebingen Variant Classification Criteria Version 2. Collection method: clinical testing. Allele origin: germline. Affected: yes. Observed: 1 variant allele.
Comment: COL6A2: BP4, BP7

Labcorp Genetics (formerly Invitae), Labcorp
Classification: Likely benign for Bethlem myopathy 1A. Last evaluated: 2025-08-18. Review status: criteria provided, single submitter. Criteria: Invitae Variant Classification Sherloc (09022015). Collection method: clinical testing. Allele origin: germline.

NM_001849.4(COL6A2):c.2934C>T (p.Ser978=)

Gene: COL6A2 (collagen type VI alpha 2 chain; plus strand). Cytogenetic location: 21q22.3.
Variant type: single nucleotide variant.
Coding change: c.2934C>T on transcript NM_001849.4 (MANE Select); coding-DNA position 2934, C replaced by T.
Protein change: p.Ser978=; no amino-acid change (serine 978 retained).
Molecular consequence: synonymous variant.
Genome position (GRCh38, 1-based): chr21:46,132,426, C>T. VCF-style: chr21-46132426-C-T. GRCh37 (hg19) VCF-style: chr21-47552340-C-T.
Identifiers: ClinVar variation 1087768 (VCV001087768.10), dbSNP rs139814466, ClinGen allele CA10073104.
Genomic context (GRCh38, chr21:46,132,426, plus strand): 5'-CGAGTCGGCGCACTCCATGCGCAAGCAGAACGTGGTACCCACCGTGCTGGCCTTGGGCAG[C>T]GACGTGGACATGGACGTGCTCACCACGCTCAGCCTGGGTGACCGCGCCGCCGTGTTCCAC-3'
Protein context (NP_001840.3, residues 968-988): NVVPTVLALG[Ser978=]DVDMDVLTTL